The following is an entry in ClinVar:

NM_031220.4(PITPNM3):c.2472G>A (p.Leu824=)

Gene: PITPNM3 (PITPNM family member 3; minus strand). Cytogenetic location: 17p13.2.
Variant type: single nucleotide variant.
Coding change: c.2472G>A on transcript NM_031220.4 (MANE Select); coding-DNA position 2472, G replaced by A.
Protein change: p.Leu824=; no amino-acid change (leucine 824 retained).
Molecular consequence: synonymous variant.
Genome position (GRCh38, 1-based): chr17:6,461,391, C>T on the plus strand (G>A on the coding strand, the complement: PITPNM3 is on the minus strand). VCF-style: chr17-6461391-C-T. GRCh37 (hg19) VCF-style: chr17-6364711-C-T.
Other names: c.2364G>A, p.Leu788= (NM_001165966.2).
Identifiers: ClinVar variation 324743 (VCV000324743.42), dbSNP rs144737056, ClinGen allele CA8329171.

ClinVar aggregate classification (germline): Benign/Likely benign. Review status: criteria provided, multiple submitters, no conflicts (2 of 4 stars). 4 submissions from 4 submitters: Benign (3); Likely benign (1). Last evaluated 2026-02-01.

Conditions:
Cone-rod dystrophy 5 (CORD5). Identifiers: Orphanet 1872, MedGen C1832976, MONDO:0010969, OMIM 600977.

Allele frequency attached by ClinVar (database versions not stated): gnomAD 0.00289 and 0.00305; gnomAD exomes 0.00299 and 0.00274; 1000 Genomes Project 30x 0.00062; 1000 Genomes Project 0.00080; TOPMed 0.00184; ESP Exome Variant Server 0.00269; ExAC 0.00280.
gnomAD v4.1: 4,742 of 1,614,112 alleles (0.29%); highest among the groups gnomAD compares: Non-Finnish European, 0.33%; 17 homozygotes.

Submissions (4):

Labcorp Genetics (formerly Invitae), Labcorp
Classification: Benign. Last evaluated: 2026-02-01. Review status: criteria provided, single submitter. Criteria: Invitae Variant Classification Sherloc (09022015). Collection method: clinical testing. Allele origin: germline.

CeGaT Center for Human Genetics Tuebingen
Classification: Benign. Last evaluated: 2022-09-01. Review status: criteria provided, single submitter. Criteria: CeGaT Center For Human Genetics Tuebingen Variant Classification Criteria Version 2. Collection method: clinical testing. Allele origin: germline. Affected: yes. Observed: 1 variant allele.
Comment: PITPNM3: BS1, BS2

GeneDx
Classification: Likely benign. Last evaluated: 2018-07-27. Review status: criteria provided, single submitter. Criteria: GeneDx Variant Classification Process June 2021. Collection method: clinical testing. Allele origin: germline. Affected: yes.

Illumina Laboratory Services, Illumina
Classification: Benign for Cone-rod dystrophy 5. Last evaluated: 2018-01-13. Review status: criteria provided, single submitter. Criteria: ICSL Variant Classification Criteria 13 December 2019. Collection method: clinical testing. Allele origin: germline.
Comment: This variant was observed in the ICSL laboratory as part of a predisposition screen in an ostensibly healthy population. It had not been previously curated by ICSL or reported in the Human Gene Mutation Database (HGMD: prior to June 1st, 2018), and was therefore a candidate for classification through an automated scoring system. Utilizing variant allele frequency, disease prevalence and penetrance estimates, and inheritance mode, an automated score was calculated to assess if this variant is too frequent to cause the disease. Based on the score and internal cut-off values, a variant classified as benign is not then subjected to further curation. The score for this variant resulted in a classification of benign for this disease.